The following is an entry in ClinVar:

NM_000059.4(BRCA2):c.5080A>T (p.Arg1694Ter)

Gene: BRCA2 (BRCA2 DNA repair associated; plus strand). Cytogenetic location: 13q13.1.
Variant type: single nucleotide variant.
Coding change: c.5080A>T on transcript NM_000059.4 (MANE Select); coding-DNA position 5080, A replaced by T.
Protein change: p.Arg1694Ter; replaces arginine 1694 with a stop codon.
Molecular consequence: nonsense.
Genome position (GRCh38, 1-based): chr13:32,339,435, A>T. VCF-style: chr13-32339435-A-T. GRCh37 (hg19) VCF-style: chr13-32913572-A-T.
Other names: 5308A>T; short protein forms R1694*.
Identifiers: ClinVar variation 37944 (VCV000037944.24), dbSNP rs200265692, ClinGen allele CA021220.

ClinVar aggregate classification (germline): Pathogenic. Review status: reviewed by expert panel (3 of 4 stars). 9 submissions from 9 submitters: Pathogenic (1). 8 of the submissions do not count toward it. Last evaluated 2016-09-08.

Conditions:
Hereditary cancer-predisposing syndrome. Also called: Tumor predisposition; Neoplastic Syndromes, Hereditary; Hereditary Cancer Syndrome; Hereditary neoplastic syndrome. Identifiers: Orphanet 140162, MedGen C0027672, MeSH D009386, MONDO:0015356.
Hereditary breast ovarian cancer syndrome. Also called: Hereditary breast and ovarian cancer syndrome (HBOC); Hereditary breast and ovarian cancer syndrome; Hereditary breast and ovarian cancer; Hereditary breast and/or ovarian cancer syndrome; Breast and ovarian cancer; BRCA1- and BRCA2-Associated Hereditary Breast and Ovarian Cancer. Identifiers: Orphanet 145, MedGen C0677776, MeSH D061325, MONDO:0003582. Disease mechanism: loss of function.
Breast-ovarian cancer, familial, susceptibility to, 2 (BROVCA2). Also called: BRCA2 Hereditary Breast and Ovarian Cancer. Identifiers: Orphanet 145, MedGen C2675520, MONDO:0012933, OMIM 612555. Disease mechanism: loss of function.
Breast-ovarian cancer, familial, susceptibility to, 1 (BROVCA1). Also called: OVARIAN CANCER, SUSCEPTIBILITY TO; BRCA1 Hereditary Breast and Ovarian Cancer. Identifiers: Orphanet 145, MedGen C2676676, MONDO:0011450, OMIM 604370. Disease mechanism: loss of function.

Submissions (9):

Evidence-based Network for the Interpretation of Germline Mutant Alleles (ENIGMA)
Classification: Pathogenic for Breast-ovarian cancer, familial, susceptibility to, 2. Last evaluated: 2016-09-08. Review status: reviewed by expert panel. Criteria: ENIGMA BRCA1/2 Classification Criteria (2015). Collection method: curation. Allele origin: germline.
Comment: Variant allele predicted to encode a truncated non-functional protein.

Institute of Immunology and Genetics Kaiserslautern
Classification: Pathogenic for Breast-ovarian cancer, familial, susceptibility to, 1. Last evaluated: 2025-07-31. Review status: criteria provided, single submitter. Criteria: ACMG Guidelines, 2015. Collection method: clinical testing. Allele origin: germline. Affected: yes. Not counted in ClinVar's aggregate classification.
Comment: ACMG Criteria: PVS1, PM2, PP5_M.

Labcorp Genetics (formerly Invitae), Labcorp
Classification: Pathogenic for Hereditary breast ovarian cancer syndrome. Last evaluated: 2025-02-09. Review status: criteria provided, single submitter. Criteria: Invitae Variant Classification Sherloc (09022015). Collection method: clinical testing. Allele origin: germline. Not counted in ClinVar's aggregate classification.
Comment: This sequence change creates a premature translational stop signal (p.Arg1694*) in the BRCA2 gene. It is expected to result in an absent or disrupted protein product. Loss-of-function variants in BRCA2 are known to be pathogenic (PMID: 20104584). This variant is not present in population databases (gnomAD no frequency). This premature translational stop signal has been observed in individual(s) with high risk of breast and/or ovarian cancer (PMID: 29446198). ClinVar contains an entry for this variant (Variation ID: 37944). For these reasons, this variant has been classified as Pathogenic.

Quest Diagnostics Nichols Institute San Juan Capistrano
Classification: Pathogenic. Last evaluated: 2024-05-24. Review status: criteria provided, single submitter. Criteria: Quest Diagnostics criteria. Collection method: clinical testing. Allele origin: unknown. Not counted in ClinVar's aggregate classification.
Comment: The BRCA2 c.5080A>T (p.Arg1694*) variant causes the premature termination of BRCA2 protein synthesis. This variant has been reported in the published literature in an individual with non-small cell lung cancer (NSCLC) (PMID: 31565484 (2019)) and in a family with BRCA1/2 variant carriers (PMID: 29446198 (2018)). This variant has not been reported in large, multi-ethnic general populations (Genome Aggregation Database). Based on the available information, this variant is classified as pathogenic.

GeneDx
Classification: Pathogenic. Last evaluated: 2023-08-24. Review status: criteria provided, single submitter. Criteria: GeneDx Variant Classification Process June 2021. Collection method: clinical testing. Allele origin: germline. Affected: yes. Not counted in ClinVar's aggregate classification.
Comment: Nonsense variant predicted to result in protein truncation or nonsense mediated decay in a gene for which loss of function is a known mechanism of disease; Identified in individual(s) with personal or family history of breast and/or ovarian cancer (Rebbeck et al., 2018); Truncating variants in this gene are considered pathogenic by a well-established clinical consortium and/or database; Not observed at significant frequency in large population cohorts (gnomAD); Also known as 5308A>T; This variant is associated with the following publications: (PMID: 31565484, 29884841, 32377563, 29446198)

Ambry Genetics
Classification: Pathogenic for Hereditary cancer-predisposing syndrome. Last evaluated: 2020-11-02. Review status: criteria provided, single submitter. Criteria: Ambry Variant Classification Scheme 2023. Collection method: clinical testing. Allele origin: germline. Not counted in ClinVar's aggregate classification.
Comment: The p.R1694* pathogenic mutation (also known as c.5080A>T), located in coding exon 10 of the BRCA2 gene, results from an A to T substitution at nucleotide position 5080. This changes the amino acid from an arginine to a stop codon within coding exon 10. In addition to the clinical data presented in the literature, this alteration is expected to result in loss of function by premature protein truncation or nonsense-mediated mRNA decay. As such, this alteration is interpreted as a disease-causing mutation.

Color Diagnostics, LLC DBA Color Health
Classification: Pathogenic for Hereditary cancer-predisposing syndrome. Last evaluated: 2020-04-07. Review status: criteria provided, single submitter. Criteria: ACMG Guidelines, 2015. Collection method: clinical testing. Allele origin: germline. Not counted in ClinVar's aggregate classification.
Comment: This variant changes 1 nucleotide in exon 11 of the BRCA2 gene, creating a premature translation stop signal. This variant is expected to result in an absent or non-functional protein product. To our knowledge, this variant has not been reported in individuals affected with hereditary cancer in the literature. This variant has not been identified in the general population by the Genome Aggregation Database (gnomAD). Loss of BRCA2 function is a known mechanism of disease. Based on the available evidence, this variant is classified as Pathogenic.

Consortium of Investigators of Modifiers of BRCA1/2 (CIMBA), c/o University of Cambridge
Classification: Pathogenic for Breast-ovarian cancer, familial, susceptibility to, 2. Last evaluated: 2015-10-02. Review status: criteria provided, single submitter. Criteria: CIMBA Mutation Classification guidelines May 2016. Collection method: clinical testing. Allele origin: germline. Not counted in ClinVar's aggregate classification.

Sharing Clinical Reports Project (SCRP)
Classification: Pathogenic for Breast-ovarian cancer, familial 2. Last evaluated: 2010-03-05. Review status: no assertion criteria provided. Collection method: clinical testing. Allele origin: germline. Not counted in ClinVar's aggregate classification.

Literature cited by the submitters: PubMed 20104584 (cited by Labcorp Genetics (formerly Invitae), Labcorp); PubMed 29446198 (cited by 3 submitters); PubMed 31565484 (cited by Quest Diagnostics Nichols Institute San Juan Capistrano and Ambry Genetics).